The following is an entry in ClinVar:

NM_033380.3(COL4A5):c.2057del (p.Pro686fs)

Gene: COL4A5 (collagen type IV alpha 5 chain; plus strand). Cytogenetic location: Xq22.3.
Variant type: Deletion.
Coding change: c.2057del on transcript NM_033380.3 (MANE Select); coding-DNA position 2057, one base deleted (C; older notation c.2057delC).
Protein change: p.Pro686fs; shifts the reading frame from proline 686.
Molecular consequence: frameshift variant.
Genome position (GRCh38, 1-based): chrX:108,601,900, C deleted; the last of 2 consecutive C bases (chrX:108,601,899-108,601,900); deleting either gives the same sequence. VCF-style (leftmost placement, unchanged base first): chrX-108601898-TC-T. GRCh37 (hg19) VCF-style: chrX-107845128-TC-T.
Other names: c.2057del, p.Pro686fs (NM_000495.5); c.2057delC (NM_033380.1); short protein forms P686fs.
Identifiers: ClinVar variation 24482 (VCV000024482.11), dbSNP rs104886167, ClinGen allele CA258610.
Genomic context (GRCh38, chrX:108,601,898, plus strand): 5'-TTCTTTCTTTGAACGTTTTCCTTTCAATAACTGCTGTTTCTCCATAGGTGACCCTGGACT[TC>T]CAGGGCAACCAGGCTTGCCAGGGATACCTGGTAGCAAAGGAGAACCAGGTATCCCTGGAA-3'

ClinVar aggregate classification (germline): Pathogenic. Review status: criteria provided, multiple submitters, no conflicts (2 of 4 stars). 3 submissions from 3 submitters: Pathogenic (3). Last evaluated 2025-06-12.

Conditions:
X-linked Alport syndrome (ATS1). Also called: COL4A5-Related Nephropathy; NEPHROPATHY AND DEAFNESS, X-LINKED. Identifiers: Orphanet 63, Orphanet 88917, MedGen C4746986, MONDO:0010520, OMIM 301050.

Submissions (3):

Labcorp Genetics (formerly Invitae), Labcorp
Classification: Pathogenic. Last evaluated: 2025-06-12. Review status: criteria provided, single submitter. Criteria: Invitae Variant Classification Sherloc (09022015). Collection method: clinical testing. Allele origin: germline.
Comment: This sequence change creates a premature translational stop signal (p.Pro686Glnfs*50) in the COL4A5 gene. It is expected to result in an absent or disrupted protein product. Loss-of-function variants in COL4A5 are known to be pathogenic (PMID: 9195222, 10752524, 14514738, 24854265, 26809805). This variant is not present in population databases (gnomAD no frequency). This premature translational stop signal has been observed in individual(s) with Alport syndrome (PMID: 17660027). ClinVar contains an entry for this variant (Variation ID: 24482). For these reasons, this variant has been classified as Pathogenic.

Fulgent Genetics
Classification: Pathogenic for X-linked Alport syndrome. Last evaluated: 2022-02-22. Review status: criteria provided, single submitter. Criteria: ACMG Guidelines, 2015. Collection method: clinical testing. Allele origin: unknown.

GeneDx
Classification: Pathogenic. Last evaluated: 2019-10-29. Review status: criteria provided, single submitter. Criteria: GeneDx Variant Classification Process June 2021. Collection method: clinical testing. Allele origin: germline. Affected: yes.
Comment: Frameshift variant predicted to result in protein truncation or nonsense mediated decay in a gene for which loss-of-function is a known mechanism of disease; Not observed in large population cohorts (Lek et al., 2016); This variant is associated with the following publications: (PMID: 17660027, 23371956, 32812400)

Literature cited by the submitters: PubMed 9195222 (cited by Labcorp Genetics (formerly Invitae), Labcorp); PubMed 10752524 (cited by Labcorp Genetics (formerly Invitae), Labcorp); PubMed 14514738 (cited by Labcorp Genetics (formerly Invitae), Labcorp); PubMed 24854265 (cited by Labcorp Genetics (formerly Invitae), Labcorp); PubMed 26809805 (cited by Labcorp Genetics (formerly Invitae), Labcorp); PubMed 17660027 (cited by Labcorp Genetics (formerly Invitae), Labcorp).